The following is an entry in ClinVar:

ClinVar aggregate classification (germline): Uncertain significance. Review status: criteria provided, multiple submitters, no conflicts (2 of 4 stars). 2 submissions from 2 submitters: Uncertain significance (2). Last evaluated 2026-03-26.

Conditions:
Hereditary cancer-predisposing syndrome. Also called: Hereditary neoplastic syndrome; Neoplastic Syndromes, Hereditary; Tumor predisposition; Hereditary Cancer Syndrome. Identifiers: Orphanet 140162, MedGen C0027672, MeSH D009386, MONDO:0015356.
Tuberous sclerosis 2 (TSC2). Identifiers: Orphanet 805, MedGen C1860707, MONDO:0013199, OMIM 613254.

Submissions (2):

Ambry Genetics
Classification: Uncertain significance for Hereditary cancer-predisposing syndrome. Last evaluated: 2026-03-26. Review status: criteria provided, single submitter. Criteria: Ambry Variant Classification Scheme 2023. Collection method: clinical testing. Allele origin: germline.
Comment: The p.T1785A variant (also known as c.5353A>G), located in coding exon 41 of the TSC2 gene, results from an A to G substitution at nucleotide position 5353. The threonine at codon 1785 is replaced by alanine, an amino acid with similar properties. This amino acid position is not well conserved in available vertebrate species. In addition, this alteration is predicted to be tolerated by in silico analysis. Based on the available evidence, the clinical significance of this variant remains unclear.

Labcorp Genetics (formerly Invitae), Labcorp
Classification: Uncertain significance for Tuberous sclerosis 2. Last evaluated: 2020-08-06. Review status: criteria provided, single submitter. Criteria: Invitae Variant Classification Sherloc (09022015). Collection method: clinical testing. Allele origin: germline.
Comment: This variant is not present in population databases (ExAC no frequency). This sequence change replaces threonine with alanine at codon 1785 of the TSC2 protein (p.Thr1785Ala). The threonine residue is weakly conserved and there is a small physicochemical difference between threonine and alanine. This variant has not been reported in the literature in individuals with TSC2-related conditions. In summary, the available evidence is currently insufficient to determine the role of this variant in disease. Therefore, it has been classified as a Variant of Uncertain Significance. Algorithms developed to predict the effect of missense changes on protein structure and function output the following: SIFT: "Tolerated"; PolyPhen-2: "Benign"; Align-GVGD: "Class C0". The alanine amino acid residue is found in multiple mammalian species, suggesting that this missense change does not adversely affect protein function. These predictions have not been confirmed by published functional studies and their clinical significance is uncertain.

NM_000548.5(TSC2):c.5353A>G (p.Thr1785Ala)

Gene: TSC2 (TSC complex subunit 2; plus strand). Cytogenetic location: 16p13.3.
Variant type: single nucleotide variant.
Coding change: c.5353A>G on transcript NM_000548.5 (MANE Select); coding-DNA position 5353, A replaced by G.
Protein change: p.Thr1785Ala; replaces threonine 1785 with alanine.
Molecular consequence: missense variant.
Genome position (GRCh38, 1-based): chr16:2,088,539, A>G. VCF-style: chr16-2088539-A-G. GRCh37 (hg19) VCF-style: chr16-2138540-A-G.
Other names: c.5353A>G (NM_000548.3); c.5152A>G, p.Thr1718Ala (NM_001077183.3); c.5284A>G, p.Thr1762Ala (NM_001114382.3); c.5044A>G, p.Thr1682Ala (NM_001318827.2); c.5008A>G, p.Thr1670Ala (NM_001318829.2); c.4621A>G, p.Thr1541Ala (NM_001318831.2); c.5185A>G, p.Thr1729Ala (NM_001318832.2); c.5155A>G, p.Thr1719Ala (NM_001363528.2); and 3 more; short protein forms T1541A, T1670A, T1682A, T1718A, T1719A, T1729A, T1738A, T1741A.
Identifiers: ClinVar variation 1019286 (VCV001019286.9), dbSNP rs1555441455, ClinGen allele CA394315757.
Genomic context (GRCh38, chr16:2,088,539, plus strand): 5'-CTACCTCTGGTGCACCCTCCGTCCCATAGCAAAGCCCCTGCACAGACTCCAGCCGAGCCC[A>G]CACCTGGCTATGAGGTGGGCCAGCGGAAGCGCCTCATCTCCTCGGTGGAGGACTTCACCG-3'
Protein context (NP_000539.2, residues 1775-1795): KAPAQTPAEP[Thr1785Ala]PGYEVGQRKR